The following is an entry in ClinVar:

NM_014249.4(NR2E3):c.386A>G (p.Gln129Arg)

Gene: NR2E3 (nuclear receptor subfamily 2 group E member 3; plus strand). Cytogenetic location: 15q23.
Variant type: single nucleotide variant.
Coding change: c.386A>G on transcript NM_014249.4 (MANE Select); coding-DNA position 386, A replaced by G.
Protein change: p.Gln129Arg; replaces glutamine 129 with arginine.
Molecular consequence: missense variant.
Genome position (GRCh38, 1-based): chr15:71,811,991, A>G. VCF-style: chr15-71811991-A-G. GRCh37 (hg19) VCF-style: chr15-72104331-A-G.
Other names: c.386A>G, p.Gln129Arg (NM_016346.4); c.386A>G (NM_014249.2); short protein forms Q129R.
Identifiers: ClinVar variation 2907604 (VCV002907604.4), dbSNP rs1456069503, ClinGen allele CA393033911.

ClinVar aggregate classification (germline): Uncertain significance. Review status: criteria provided, multiple submitters, no conflicts (2 of 4 stars). 2 submissions from 2 submitters: Uncertain significance (2). Last evaluated 2025-08-10.

Conditions:
Inborn genetic diseases. Identifiers: MedGen C0950123, MeSH D030342.

Allele frequency attached by ClinVar (database versions not stated): gnomAD exomes below 0.00001; gnomAD 0.00001.
gnomAD v4.1: 4 of 1,554,332 alleles (0.00026%); highest among the groups gnomAD compares: Admixed American, 0.0058%; no homozygotes.

Submissions (2):

Labcorp Genetics (formerly Invitae), Labcorp
Classification: Uncertain significance. Last evaluated: 2025-08-10. Review status: criteria provided, single submitter. Criteria: Invitae Variant Classification Sherloc (09022015). Collection method: clinical testing. Allele origin: germline.
Comment: This sequence change replaces glutamine, which is neutral and polar, with arginine, which is basic and polar, at codon 129 of the NR2E3 protein (p.Gln129Arg). The frequency data for this variant in the population databases is considered unreliable, as metrics indicate poor data quality at this position in the gnomAD database. This variant has not been reported in the literature in individuals affected with NR2E3-related conditions. ClinVar contains an entry for this variant (Variation ID: 2907604). Invitae Evidence Modeling of protein sequence and biophysical properties (such as structural, functional, and spatial information, amino acid conservation, physicochemical variation, residue mobility, and thermodynamic stability) indicates that this missense variant is not expected to disrupt NR2E3 protein function with a negative predictive value of 80%. In summary, the available evidence is currently insufficient to determine the role of this variant in disease. Therefore, it has been classified as a Variant of Uncertain Significance.

Ambry Genetics
Classification: Uncertain significance for Inborn genetic diseases. Last evaluated: 2023-11-18. Review status: criteria provided, single submitter. Criteria: Ambry Variant Classification Scheme 2023. Collection method: clinical testing. Allele origin: germline.